The following is an entry in ClinVar:

ClinVar aggregate classification (germline): Likely pathogenic (1 of 4 stars; one submission).

Conditions:
Galactosylceramide beta-galactosidase deficiency. Also called: GALACTOCEREBROSIDASE DEFICIENCY; GALC DEFICIENCY; GLOBOID CELL LEUKOENCEPHALOPATHY; Leukodystrophy, Globoid Cell; Krabbe Disease. Identifiers: Orphanet 487, MedGen C0023521, MONDO:0009499, OMIM 245200.

gnomAD v4.1: 1 of 1,610,020 alleles (0.000062%); highest among the groups gnomAD compares: South Asian, 0.0011%; no homozygotes.

Submission:

Labcorp Genetics (formerly Invitae), Labcorp
Classification: Likely pathogenic for Galactosylceramide beta-galactosidase deficiency. Last evaluated: 2023-06-16. Review status: criteria provided, single submitter. Criteria: Invitae Variant Classification Sherloc (09022015). Collection method: clinical testing. Allele origin: germline.
Comment: In summary, the currently available evidence indicates that the variant is pathogenic, but additional data are needed to prove that conclusively. Therefore, this variant has been classified as Likely Pathogenic. This variant disrupts the p.Thr67 amino acid residue in GALC. Other variant(s) that disrupt this residue have been determined to be pathogenic (PMID: 23197103). This suggests that this residue is clinically significant, and that variants that disrupt this residue are likely to be disease-causing. Advanced modeling of protein sequence and biophysical properties (such as structural, functional, and spatial information, amino acid conservation, physicochemical variation, residue mobility, and thermodynamic stability) performed at Invitae indicates that this missense variant is expected to disrupt GALC protein function. This variant has not been reported in the literature in individuals affected with GALC-related conditions. This variant is not present in population databases (gnomAD no frequency). This sequence change replaces threonine, which is neutral and polar, with asparagine, which is neutral and polar, at codon 67 of the GALC protein (p.Thr67Asn).

Literature cited by the submitters: PubMed 23197103.

NM_000153.4(GALC):c.200C>A (p.Thr67Asn)

Gene: GALC (galactosylceramidase; minus strand). Cytogenetic location: 14q31.3.
Variant type: single nucleotide variant.
Coding change: c.200C>A on transcript NM_000153.4 (MANE Select); coding-DNA position 200, C replaced by A.
Protein change: p.Thr67Asn; replaces threonine 67 with asparagine.
Molecular consequence: missense variant. On other transcripts: 5 prime UTR variant (4), non-coding transcript variant (1), intron variant (1).
Genome position (GRCh38, 1-based): chr14:87,988,519, G>T on the plus strand (C>A on the coding strand, the complement: GALC is on the minus strand). VCF-style: chr14-87988519-G-T. GRCh37 (hg19) VCF-style: chr14-88454863-G-T.
Other names: c.122C>A, p.Thr41Asn (NM_001201402.2); c.32C>A, p.Thr11Asn (NM_001424071.1, NM_001424072.1, NM_001424073.1); c.-149C>A (NM_001424074.1); c.-237C>A (NM_001424075.1); c.-468C>A (NM_001424076.1, NM_001424077.1); c.196-312C>A (NM_001201401.2); short protein forms T67N, T41N, T11N.
Identifiers: ClinVar variation 2770184 (VCV002770184.3), dbSNP rs1478697086, ClinGen allele CA390753449.